The following is an entry in ClinVar:

ClinVar aggregate classification (germline): Likely pathogenic (1 of 4 stars; one submission).

Conditions:
Frontotemporal dementia (FTD1). Also called: MULTIPLE SYSTEM TAUOPATHY WITH PRESENILE DEMENTIA; WILHELMSEN-LYNCH DISEASE; Frontotemporal lobe dementia (FLDEM); Frontotemporal Dementia with Parkinsonism-17 (FTDP-17); FRONTOTEMPORAL LOBAR DEGENERATION WITH TAU INCLUSIONS; FTLD WITH TAU INCLUSIONS. Identifiers: Orphanet 282, MedGen C0338451, MONDO:0017276, OMIM 600274, HP:0002145.
Ataxia. Identifiers: MedGen C0004134, HP:0001251.

Submission:

Clinical Genetics Laboratory, Skane University Hospital Lund
Classification: Likely pathogenic for Ataxia; Frontotemporal dementia. Last evaluated: 2026-05-04. Review status: criteria provided, single submitter. Criteria: ACMG Guidelines, 2015. Collection method: clinical testing. Allele origin: germline. Affected: yes.
Comment: ACMG criteria used: PM1, PM2, PP2 and PP3

NM_002739.5(PRKCG):c.334A>G (p.Thr112Ala)

Gene: PRKCG (protein kinase C gamma; plus strand). Cytogenetic location: 19q13.42.
Variant type: single nucleotide variant.
Coding change: c.334A>G on transcript NM_002739.5 (MANE Select); coding-DNA position 334, A replaced by G.
Protein change: p.Thr112Ala; replaces threonine 112 with alanine.
Molecular consequence: missense variant.
Genome position (GRCh38, 1-based): chr19:53,889,686, A>G. VCF-style: chr19-53889686-A-G. GRCh37 (hg19) VCF-style: chr19-54392940-A-G.
Other names: c.334A>G, p.Thr112Ala (NM_001316329.2); short protein forms T112A.
Identifiers: ClinVar variation 4849534 (VCV004849534.1).